The following is an entry in ClinVar:

ClinVar aggregate classification (germline): Uncertain significance (1 of 4 stars; one submission).

Conditions:
Inborn genetic diseases. Identifiers: MedGen C0950123, MeSH D030342.

gnomAD v4.1: 2 of 1,614,106 alleles (0.00012%); highest among the groups gnomAD compares: Non-Finnish European, 0.00017%; no homozygotes.

Submission:

Ambry Genetics
Classification: Uncertain significance for Inborn genetic diseases. Last evaluated: 2020-03-18. Review status: criteria provided, single submitter. Criteria: Ambry Variant Classification Scheme 2023. Collection method: clinical testing. Allele origin: germline.
Comment: The p.N81D variant (also known as c.241A>G), located in coding exon 2 of the IGHMBP2 gene, results from an A to G substitution at nucleotide position 241. The asparagine at codon 81 is replaced by aspartic acid, an amino acid with highly similar properties. This amino acid position is highly conserved in available vertebrate species. In addition, the in silico prediction for this alteration is inconclusive. Since supporting evidence is limited at this time, the clinical significance of this alteration remains unclear.

NM_002180.3(IGHMBP2):c.241A>G (p.Asn81Asp)

Gene: IGHMBP2 (immunoglobulin mu DNA binding protein 2; plus strand). Cytogenetic location: 11q13.3.
Variant type: single nucleotide variant.
Coding change: c.241A>G on transcript NM_002180.3 (MANE Select); coding-DNA position 241, A replaced by G.
Protein change: p.Asn81Asp; replaces asparagine 81 with aspartic acid.
Molecular consequence: missense variant.
Genome position (GRCh38, 1-based): chr11:68,906,223, A>G. VCF-style: chr11-68906223-A-G. GRCh37 (hg19) VCF-style: chr11-68673691-A-G.
Other names: short protein forms N81D.
Identifiers: ClinVar variation 1790986 (VCV001790986.2), dbSNP rs1566423483, ClinGen allele CA381642637.